The following is an entry in ClinVar:

ClinVar aggregate classification (germline): Likely pathogenic (1 of 4 stars; one submission).

Allele frequency attached by ClinVar (database versions not stated): gnomAD exomes below 0.00001.
gnomAD v4.1: 1 of 1,579,496 alleles (0.000063%); highest among the groups gnomAD compares: Non-Finnish European, 0.000086%; no homozygotes.

Submission:

Labcorp Genetics (formerly Invitae), Labcorp
Classification: Likely pathogenic. Last evaluated: 2023-09-27. Review status: criteria provided, single submitter. Criteria: Invitae Variant Classification Sherloc (09022015). Collection method: clinical testing. Allele origin: germline.
Comment: In summary, the currently available evidence indicates that the variant is pathogenic, but additional data are needed to prove that conclusively. Therefore, this variant has been classified as Likely Pathogenic. Algorithms developed to predict the effect of sequence changes on RNA splicing suggest that this variant may disrupt the consensus splice site. This variant has not been reported in the literature in individuals affected with RORB-related conditions. This variant is not present in population databases (gnomAD no frequency). This sequence change affects a donor splice site in intron 4 of the RORB gene. It is expected to disrupt RNA splicing. Variants that disrupt the donor or acceptor splice site typically lead to a loss of protein function (PMID: 16199547), and loss-of-function variants in RORB are known to be pathogenic (PMID: 27352968).

Literature cited by the submitters: PubMed 16199547; PubMed 27352968.

NM_006914.4(RORB):c.637+1G>A

Gene: RORB (RAR related orphan receptor B; plus strand). Cytogenetic location: 9q21.13.
Variant type: single nucleotide variant.
Coding change: c.637+1G>A on transcript NM_006914.4 (MANE Select); the canonical splice donor site of the intron after coding-DNA position 637, G replaced by A.
Molecular consequence: splice donor variant.
Genome position (GRCh38, 1-based): chr9:74,642,816, G>A. VCF-style: chr9-74642816-G-A. GRCh37 (hg19) VCF-style: chr9-77257732-G-A.
Other names: c.670+1G>A (NM_001365023.1).
Identifiers: ClinVar variation 2763874 (VCV002763874.3), dbSNP rs2489584908, ClinGen allele CA373770297.
Genomic context (GRCh38, chr9:74,642,816, plus strand): 5'-TTACCTATAGCTCTTTCAACAATGGGCAGTTAGCACCAGGGATAACCATGACTGAAATCG[G>A]TAAGTGGAAGTCTCCTCCCAGTGGCTTTTTTTGAGATTTTGCTTTGAATTTACCTTGGTC-3'